The following is an entry in ClinVar:

ClinVar aggregate classification (germline): Uncertain significance. Review status: criteria provided, multiple submitters, no conflicts (2 of 4 stars). 2 submissions from 2 submitters: Uncertain significance (2). Last evaluated 2025-11-17.

Conditions:
Cardiovascular phenotype. Identifiers: MedGen CN230736.

gnomAD v4.1: 26 of 1,608,326 alleles (0.0016%); highest among the groups gnomAD compares: East Asian, 0.011%; 1 homozygote.

Submissions (2):

Ambry Genetics
Classification: Uncertain significance for Cardiovascular phenotype. Last evaluated: 2025-11-17. Review status: criteria provided, single submitter. Criteria: Ambry Variant Classification Scheme 2023. Collection method: clinical testing. Allele origin: germline.
Comment: The p.A2264T variant (also known as c.6790G>A), located in coding exon 41 of the FLNC gene, results from a G to A substitution at nucleotide position 6790. The alanine at codon 2264 is replaced by threonine, an amino acid with similar properties. This variant was reported in individual(s) in hypertrophic and dilated cardiomyopathy cohorts (Thomson KL et al. Genet Med, 2019 Jul;21:1576-1584; Verdonschot JAJ et al. Hum Mutat, 2020 Jun;41:1091-1111). This amino acid position is highly conserved in available vertebrate species. In addition, this alteration is predicted to be deleterious by in silico analysis. Based on the available evidence, the clinical significance of this variant remains unclear.

Clinical Genetics Laboratory, Skane University Hospital Lund
Classification: Uncertain significance. Last evaluated: 2023-11-14. Review status: criteria provided, single submitter. Criteria: ACMG Guidelines, 2015. Collection method: clinical testing. Allele origin: germline. Affected: yes.

Literature cited by the submitters: PubMed 30531895 (cited by Ambry Genetics); PubMed 32112656 (cited by Ambry Genetics).

NM_001458.5(FLNC):c.6790G>A (p.Ala2264Thr)

Genes: FLNC (filamin C; plus strand), FLNC-AS1 (FLNC antisense RNA 1; minus strand). Cytogenetic location: 7q32.1.
Variant type: single nucleotide variant.
Coding change: c.6790G>A on transcript NM_001458.5 (MANE Select); coding-DNA position 6790, G replaced by A.
Protein change: p.Ala2264Thr; replaces alanine 2264 with threonine.
Molecular consequence: missense variant.
Genome position (GRCh38, 1-based): chr7:128,854,475, G>A. VCF-style: chr7-128854475-G-A. GRCh37 (hg19) VCF-style: chr7-128494529-G-A.
Other names: c.6691G>A, p.Ala2231Thr (NM_001127487.2); short protein forms A2231T, A2264T.
Identifiers: ClinVar variation 3337122 (VCV003337122.2).